The following is an entry in ClinVar:

NM_014611.3(MDN1):c.15661+10G>A

Genes: MDN1 (midasin AAA ATPase 1; minus strand), MDN1-AS1 (MDN1 antisense RNA 1; plus strand). Cytogenetic location: 6q15.
Variant type: single nucleotide variant.
Coding change: c.15661+10G>A on transcript NM_014611.3 (MANE Select); 10 bases into the intron after coding-DNA position 15661, G replaced by A.
Molecular consequence: intron variant.
Genome position (GRCh38, 1-based): chr6:89,654,154, C>T on the plus strand (G>A on the coding strand, the complement: MDN1 is on the minus strand). VCF-style: chr6-89654154-C-T. GRCh37 (hg19) VCF-style: chr6-90363873-C-T.
Identifiers: ClinVar variation 3051970 (VCV003051970.2), dbSNP rs1229599224, ClinGen allele CA568727265.

ClinVar aggregate classification (germline): Likely benign (0 of 4 stars; one submission).

Conditions:
MDN1-related disorder. Also called: MDN1-related condition.

Allele frequency attached by ClinVar (database versions not stated): gnomAD exomes below 0.00001; gnomAD 0.00001; TOPMed 0.00001.
gnomAD v4.1: 5 of 1,613,806 alleles (0.00031%); highest among the groups gnomAD compares: Admixed American, 0.0083%; no homozygotes.

Submission:

PreventionGenetics, part of Exact Sciences
Classification: Likely benign for MDN1-related condition. Last evaluated: 2020-02-07. Review status: no assertion criteria provided. Collection method: clinical testing. Allele origin: germline.
Comment: This variant is classified as likely benign based on ACMG/AMP sequence variant interpretation guidelines (Richards et al. 2015 PMID: 25741868, with internal and published modifications).